The following is an entry in ClinVar:

ClinVar aggregate classification (germline): Uncertain significance (1 of 4 stars; one submission).

Conditions:
Hereditary cancer-predisposing syndrome. Also called: Hereditary Cancer Syndrome; Tumor predisposition; Hereditary neoplastic syndrome; Neoplastic Syndromes, Hereditary. Identifiers: Orphanet 140162, MedGen C0027672, MeSH D009386, MONDO:0015356.

Submission:

Labcorp Genetics (formerly Invitae), Labcorp
Classification: Uncertain significance for Hereditary cancer-predisposing syndrome. Last evaluated: 2020-09-26. Review status: criteria provided, single submitter. Criteria: Invitae Variant Classification Sherloc (09022015). Collection method: clinical testing. Allele origin: germline.
Comment: This sequence change replaces glycine with aspartic acid at codon 1080 of the RAD50 protein (p.Gly1080Asp). The glycine residue is moderately conserved and there is a moderate physicochemical difference between glycine and aspartic acid. This variant is not present in population databases (ExAC no frequency). This variant has not been reported in the literature in individuals with RAD50-related conditions. Algorithms developed to predict the effect of missense changes on protein structure and function are either unavailable or do not agree on the potential impact of this missense change (SIFT: "Tolerated"; PolyPhen-2: "Probably Damaging"; Align-GVGD: "Class C0"). In summary, the available evidence is currently insufficient to determine the role of this variant in disease. Therefore, it has been classified as a Variant of Uncertain Significance.

NM_005732.4(RAD50):c.3239G>A (p.Gly1080Asp)

Gene: RAD50 (RAD50 double strand break repair protein; plus strand). Cytogenetic location: 5q31.1.
Variant type: single nucleotide variant.
Coding change: c.3239G>A on transcript NM_005732.4 (MANE Select); coding-DNA position 3239, G replaced by A.
Protein change: p.Gly1080Asp; replaces glycine 1080 with aspartic acid.
Molecular consequence: missense variant.
Genome position (GRCh38, 1-based): chr5:132,618,144, G>A. VCF-style: chr5-132618144-G-A. GRCh37 (hg19) VCF-style: chr5-131953836-G-A.
Other names: short protein forms G1080D.
Identifiers: ClinVar variation 1047079 (VCV001047079.9), dbSNP rs1751210842, ClinGen allele CA360964451.